The following is an entry in ClinVar:

ClinVar aggregate classification (germline): Benign (0 of 4 stars; one submission).

Conditions:
FILIP1L-related disorder. Also called: FILIP1L-related condition.

Allele frequency attached by ClinVar (database versions not stated): gnomAD exomes 0.00043; ExAC 0.00142; ESP Exome Variant Server 0.00474; 1000 Genomes Project 0.00499; 1000 Genomes Project 30x 0.00515; TOPMed 0.00548.
gnomAD v4.1: 1,433 of 1,612,976 alleles (0.089%); highest among the groups gnomAD compares: African/African-American, 1.7%; 10 homozygotes.

Submission:

PreventionGenetics, part of Exact Sciences
Classification: Benign for FILIP1L-related condition. Last evaluated: 2019-10-01. Review status: no assertion criteria provided. Collection method: clinical testing. Allele origin: germline.
Comment: This variant is classified as benign based on ACMG/AMP sequence variant interpretation guidelines (Richards et al. 2015 PMID: 25741868, with internal and published modifications).

NM_001387850.1(FILIP1L):c.1332G>A (p.Leu444=)

Genes: CMSS1 (cms1 ribosomal small subunit homolog; plus strand), FILIP1L (filamin A interacting protein 1 like; minus strand), LOC105374010 (uncharacterized LOC105374010; plus strand). Cytogenetic location: 3q12.1.
Variant type: single nucleotide variant.
Coding change: c.1332G>A on transcript NM_001387850.1 (MANE Select); coding-DNA position 1332, G replaced by A.
Protein change: p.Leu444=; no amino-acid change (leucine 444 retained).
Molecular consequence: synonymous variant. On other transcripts: intron variant (2).
Genome position (GRCh38, 1-based): chr3:99,850,344, C>T on the plus strand (G>A on the coding strand, the complement: FILIP1L is on the minus strand). VCF-style: chr3-99850344-C-T. GRCh37 (hg19) VCF-style: chr3-99569188-C-T.
Other names: c.1332G>A, p.Leu444= (NM_001042459.3, NM_182909.4); c.60G>A, p.Leu20= (NM_001282793.2); c.612G>A, p.Leu204= (NM_001282794.2, NM_001370247.1, NM_001387851.1 and 1 more transcripts); c.64+32301C>T (NM_032359.4); c.606-19739G>A (NM_001387852.1).
Identifiers: ClinVar variation 3052459 (VCV003052459.2), dbSNP rs9828782, ClinGen allele CA2513616.